The following is an entry in ClinVar:

ClinVar aggregate classification (germline): Uncertain significance (1 of 4 stars; one submission).

Conditions:
DICER1-related tumor predisposition. Also called: DICER1 syndrome; DICER1-related pleuropulmonary blastoma cancer predisposition syndrome. Identifiers: Orphanet 284343, MedGen C3839822, MONDO:0100216.

Submission:

Labcorp Genetics (formerly Invitae), Labcorp
Classification: Uncertain significance for DICER1-related tumor predisposition. Last evaluated: 2022-09-17. Review status: criteria provided, single submitter. Criteria: Invitae Variant Classification Sherloc (09022015). Collection method: clinical testing. Allele origin: germline.
Comment: This sequence change replaces methionine, which is neutral and non-polar, with isoleucine, which is neutral and non-polar, at codon 190 of the DICER1 protein (p.Met190Ile). This variant is not present in population databases (gnomAD no frequency). This variant has not been reported in the literature in individuals affected with DICER1-related conditions. Advanced modeling of protein sequence and biophysical properties (such as structural, functional, and spatial information, amino acid conservation, physicochemical variation, residue mobility, and thermodynamic stability) performed at Invitae indicates that this missense variant is not expected to disrupt DICER1 protein function. In summary, the available evidence is currently insufficient to determine the role of this variant in disease. Therefore, it has been classified as a Variant of Uncertain Significance.

NM_177438.3(DICER1):c.570G>A (p.Met190Ile)

Gene: DICER1 (dicer 1, ribonuclease III; minus strand). Cytogenetic location: 14q32.13.
Variant type: single nucleotide variant.
Coding change: c.570G>A on transcript NM_177438.3 (MANE Select); coding-DNA position 570, G replaced by A.
Protein change: p.Met190Ile; replaces methionine 190 with isoleucine.
Molecular consequence: missense variant. On other transcripts: initiator codon variant (1), 5 prime UTR variant (1), non-coding transcript variant (6).
Genome position (GRCh38, 1-based): chr14:95,130,061, C>T on the plus strand (G>A on the coding strand, the complement: DICER1 is on the minus strand). VCF-style: chr14-95130061-C-T. GRCh37 (hg19) VCF-style: chr14-95596398-C-T.
Other names: c.570G>A, p.Met190Ile (NM_001195573.1, NM_001271282.3, NM_001291628.2 and 15 more transcripts); c.288G>A, p.Met96Ile (NM_001395686.1); c.165G>A, p.Met55Ile (NM_001395687.1, NM_001395688.1, NM_001395689.1 and 3 more transcripts); c.3G>A, p.Met1Ile (NM_001395691.1); c.-999G>A (NM_001395697.1); short protein forms M190I, M1I, M55I, M96I.
Identifiers: ClinVar variation 1719690 (VCV001719690.6), dbSNP rs2543299613, ClinGen allele CA390888333.
Genomic context (GRCh38, chr14:95,130,061, plus strand): 5'-ATCTGCATTTACTCAATAGTTTACCAAGAATTACTAAGACTTAGGTCTAAAACTTACCTT[C>T]ATAATTTCTCGATAGGGGTGGTCTAGGATTGCAAGATGACACTCATCAAACACCAAAAGG-3'
Protein context (NP_803187.1, residues 180-200): AILDHPYREI[Met190Ile]KLCENCPSCP